The following is an entry in ClinVar:

ClinVar aggregate classification (germline): Uncertain significance. Review status: criteria provided, multiple submitters, no conflicts (2 of 4 stars). 2 submissions from 2 submitters: Uncertain significance (2). Last evaluated 2022-07-12.

Conditions:
Short-rib thoracic dysplasia 14 with polydactyly (SRTD14). Identifiers: Orphanet 397715, MedGen C4225286, MONDO:0014688, OMIM 616546.
Joubert syndrome 23 (JBTS23). Identifiers: Orphanet 475, MedGen C4084822, MONDO:0014664, OMIM 616490.

Allele frequency attached by ClinVar (database versions not stated): gnomAD exomes below 0.00001.

Submissions (2):

Labcorp Genetics (formerly Invitae), Labcorp
Classification: Uncertain significance for Joubert syndrome 23; Short-rib thoracic dysplasia 14 with polydactyly. Last evaluated: 2022-07-12. Review status: criteria provided, single submitter. Criteria: Invitae Variant Classification Sherloc (09022015). Collection method: clinical testing. Allele origin: germline.
Comment: In summary, the available evidence is currently insufficient to determine the role of this variant in disease. Therefore, it has been classified as a Variant of Uncertain Significance. This sequence change replaces aspartic acid, which is acidic and polar, with asparagine, which is neutral and polar, at codon 1156 of the KIAA0586 protein (p.Asp1156Asn). This variant is not present in population databases (gnomAD no frequency). This variant has not been reported in the literature in individuals affected with KIAA0586-related conditions. ClinVar contains an entry for this variant (Variation ID: 1416360). Algorithms developed to predict the effect of missense changes on protein structure and function output the following: SIFT: "Tolerated"; PolyPhen-2: "Benign"; Align-GVGD: "Class C0". The asparagine amino acid residue is found in multiple mammalian species, which suggests that this missense change does not adversely affect protein function.

Blueprint Genetics
Classification: Uncertain significance. Last evaluated: 2020-03-13. Review status: criteria provided, single submitter. Criteria: ACMG Guidelines, 2015. Collection method: clinical testing. Allele origin: germline.

NM_001329943.3(KIAA0586):c.3307G>A (p.Asp1103Asn)

Gene: KIAA0586 (KIAA0586; plus strand). Cytogenetic location: 14q23.1.
Variant type: single nucleotide variant.
Coding change: c.3307G>A on transcript NM_001329943.3 (MANE Select); coding-DNA position 3307, G replaced by A.
Protein change: p.Asp1103Asn; replaces aspartic acid 1103 with asparagine.
Molecular consequence: missense variant.
Genome position (GRCh38, 1-based): chr14:58,487,889, G>A. VCF-style: chr14-58487889-G-A. GRCh37 (hg19) VCF-style: chr14-58954607-G-A.
Other names: c.3466G>A, p.Asp1156Asn (NM_001244189.2); c.3262G>A, p.Asp1088Asn (NM_001244190.2); c.3052G>A, p.Asp1018Asn (NM_001244191.2, NM_001329945.2, NM_001364700.1 and 1 more transcripts); c.3175G>A, p.Asp1059Asn (NM_001244192.2); c.2887G>A, p.Asp963Asn (NM_001244193.2); c.3307G>A, p.Asp1103Asn (NM_001329944.2, NM_001329946.2, NM_001329947.2); c.3079G>A, p.Asp1027Asn (NM_014749.5); short protein forms D1059N, D1088N, D1018N, D1027N, D1103N, D1156N, D963N.
Identifiers: ClinVar variation 1416360 (VCV001416360.9), dbSNP rs2141192396, ClinGen allele CA389881514.